The following is an entry in ClinVar:

NM_014425.5(INVS):c.1726C>T (p.Arg576Ter)

Gene: INVS (inversin; plus strand). Cytogenetic location: 9q31.1.
Variant type: single nucleotide variant.
Coding change: c.1726C>T on transcript NM_014425.5 (MANE Select); coding-DNA position 1726, C replaced by T.
Protein change: p.Arg576Ter; replaces arginine 576 with a stop codon.
Molecular consequence: nonsense. On other transcripts: non-coding transcript variant (1).
Genome position (GRCh38, 1-based): chr9:100,273,018, C>T. VCF-style: chr9-100273018-C-T. GRCh37 (hg19) VCF-style: chr9-103035300-C-T.
Other names: c.1726C>T (NM_014425.2, NM_014425.4); c.1438C>T, p.Arg480Ter (NM_001318381.2); c.748C>T, p.Arg250Ter (NM_001318382.2); short protein forms R576*, R480*, R250*.
Identifiers: ClinVar variation 3019143 (VCV003019143.7), dbSNP rs1179816505, ClinGen allele CA374238643.
Genomic context (GRCh38, chr9:100,273,018, plus strand): 5'-GACATCGCCGCCTTCAAAATCCAAGCTGTCTACAAAGGGTACAAGGTCAGAAAAGCCTTC[C>T]GAGACAGGAAAAATCTCCTCATGAAGCATGAACAGTTGAGAAAAGATGCTGCTGCCAAGT-3'

ClinVar aggregate classification (germline): Pathogenic. Review status: criteria provided, multiple submitters, no conflicts (2 of 4 stars). 5 submissions from 5 submitters: Pathogenic (4). 1 of the submissions does not count toward it. Last evaluated 2024-11-04.

Conditions:
INVS-related disorders.
Infantile nephronophthisis (NPHP2). Also called: Nephronophthisis 2, infantile; Nephronophthisis 2. Identifiers: Orphanet 655, Orphanet 93591, MedGen C1865872, MONDO:0011190, OMIM 602088.
INVS-related disorder. Also called: INVS-related condition.
Nephronophthisis. Also called: Juvenile Nephronophthisis. Identifiers: Orphanet 655, MedGen C0687120, MONDO:0019005, HP:0000090.
Inborn genetic diseases. Identifiers: MedGen C0950123, MeSH D030342.

Allele frequency attached by ClinVar (database versions not stated): gnomAD exomes 0.00001.

Submissions (5):

Blueprint Genetics
Classification: Pathogenic for INVS-related disorders. Last evaluated: 2024-11-04. Review status: criteria provided, single submitter. Criteria: ACMG Guidelines, 2015. Collection method: clinical testing. Allele origin: germline. Affected: yes. Observed: 2 variant alleles.

Fulgent Genetics
Classification: Pathogenic for Infantile nephronophthisis. Last evaluated: 2023-12-23. Review status: criteria provided, single submitter. Criteria: ACMG Guidelines, 2015. Collection method: clinical testing. Allele origin: germline.

Ambry Genetics
Classification: Pathogenic for Inborn genetic diseases. Last evaluated: 2023-10-29. Review status: criteria provided, single submitter. Criteria: Ambry Variant Classification Scheme 2023. Collection method: clinical testing. Allele origin: germline.
Comment: The c.1726C>T (p.R576*) alteration, located in exon 12 (coding exon 11) of the INVS gene, consists of a C to T substitution at nucleotide position 1726. This changes the amino acid from an arginine (R) to a stop codon at amino acid position 576. This alteration is expected to result in loss of function by premature protein truncation or nonsense-mediated mRNA decay. Based on data from gnomAD, the T allele has an overall frequency of <0.001% (1/251452) total alleles studied. This mutation was detected in the homozygous state in two fetuses with grossly enlarged cystic kidneys that were detected by ultrasonography; both parents were heterozygous for this mutation (Oud, 2014). Based on the available evidence, this alteration is classified as pathogenic.

Labcorp Genetics (formerly Invitae), Labcorp
Classification: Pathogenic for Nephronophthisis. Last evaluated: 2023-10-08. Review status: criteria provided, single submitter. Criteria: Invitae Variant Classification Sherloc (09022015). Collection method: clinical testing. Allele origin: germline.
Comment: This sequence change creates a premature translational stop signal (p.Arg576*) in the INVS gene. It is expected to result in an absent or disrupted protein product. Loss-of-function variants in INVS are known to be pathogenic (PMID: 12872123). This variant is present in population databases (no rsID available, gnomAD no frequency). This premature translational stop signal has been observed in individual(s) with clinical features of nephronophthisis (PMID: 24677454). Algorithms developed to predict the effect of variants on protein structure and function are not available or were not evaluated for this variant. Experimental studies have shown that this premature translational stop signal affects INVS function (PMID: 24677454). For these reasons, this variant has been classified as Pathogenic.

PreventionGenetics, part of Exact Sciences
Classification: Pathogenic for INVS-related condition. Last evaluated: 2024-03-26. Review status: no assertion criteria provided. Collection method: clinical testing. Allele origin: germline. Not counted in ClinVar's aggregate classification.
Comment: The INVS c.1726C>T variant is predicted to result in premature protein termination (p.Arg576*). This variant was reported in the homozygous state in an individual with nephronophthisis (Oud et al 2014. PubMed ID: 24677454). This variant is reported in a single allele in the "other" subpopulation in gnomAD (0.016%). Nonsense variants in INVS are expected to be pathogenic. This variant is interpreted as pathogenic.

Literature cited by the submitters: PubMed 24677454 (cited by Ambry Genetics and Labcorp Genetics (formerly Invitae), Labcorp); PubMed 12872123 (cited by Labcorp Genetics (formerly Invitae), Labcorp).